The following is an entry in ClinVar:

ClinVar aggregate classification (germline): Uncertain significance. Review status: criteria provided, multiple submitters, no conflicts (2 of 4 stars). 3 submissions from 3 submitters: Uncertain significance (3). Last evaluated 2024-03-24.

Conditions:
Ectopia lentis 1, isolated, autosomal dominant (ECTOL1). Identifiers: Orphanet 1885, MedGen C3541518, MONDO:0007514, OMIM 129600.
Marfan syndrome (MFS). Also called: MARFAN SYNDROME, TYPE I; FBN1-Related Marfan Syndrome; Marfan syndrome, classic; Marfan syndrome type 1; Marfan's syndrome. Identifiers: Orphanet 284963, Orphanet 558, MedGen C0024796, MONDO:0007947, OMIM 154700.
Acromicric dysplasia (ACMICD). Also called: Acromicric skeletal dysplasia. Identifiers: Orphanet 969, MedGen C0265287, MONDO:0007055, OMIM 102370.
Geleophysic dysplasia 2 (GPHYSD2). Identifiers: Orphanet 2623, MedGen C3280054, MONDO:0013612, OMIM 614185.
MASS syndrome (OCTD). Also called: OVERLAP CONNECTIVE TISSUE DISEASE; MASS PHENOTYPE. Identifiers: MedGen C1858556, MONDO:0011431, OMIM 604308.
Stiff skin syndrome (SSKS). Identifiers: Orphanet 2833, MedGen C1861456, MONDO:0008492, OMIM 184900.
Weill-Marchesani syndrome 2, dominant. Also called: FBN1-Related Weill-Marchesani Syndrome; Weill-Marchesani Syndrome, Autosomal Dominant. Identifiers: Orphanet 2084, MedGen C1869115, MONDO:0012013, OMIM 608328.
Progeroid and marfanoid aspect-lipodystrophy syndrome. Also called: MARFANOID-PROGEROID-LIPODYSTROPHY SYNDROME; MARFANOID-PROGEROID SYNDROME; MARFAN-PROGEROID-LIPODYSTROPHY SYNDROME; Marfan lipodystrophy syndrome. Identifiers: Orphanet 300382, MedGen C4310796, MONDO:0014831, OMIM 616914.
Cardiovascular phenotype. Identifiers: MedGen CN230736.

Allele frequency attached by ClinVar (database versions not stated): gnomAD exomes below 0.00001; TOPMed below 0.00001; ExAC 0.00001.

Submissions (3):

All of Us Research Program, National Institutes of Health
Classification: Uncertain significance for Marfan syndrome. Last evaluated: 2024-03-24. Review status: criteria provided, single submitter. Criteria: ACMG Guidelines, 2015. Collection method: clinical testing. Allele origin: germline. Inheritance: Autosomal dominant inheritance. Observed: 3 variant alleles, 3 heterozygotes.
Comment: This missense variant replaces threonine with isoleucine at codon 1321 of the FBN1 protein. Computational prediction is inconclusive regarding the impact of this variant on protein structure and function (internally defined REVEL score threshold 0.5 < inconclusive < 0.7, PMID: 27666373). To our knowledge, functional studies have not been reported for this variant. This variant has not been reported in individuals affected with FBN1-related disorders in the literature. This variant has been identified in 1/251108 chromosomes in the general population by the Genome Aggregation Database (gnomAD). The available evidence is insufficient to determine the role of this variant in disease conclusively. Therefore, this variant is classified as a Variant of Uncertain Significance.

This study involves interpretation of variants in research participants for the purpose of population health screening. Participant phenotype was not available at the time of variant classification. Additional details can be found in publication PMID: 35346344, PMCID: PMC8962531

Fulgent Genetics
Classification: Uncertain significance for Acromicric dysplasia; Ectopia lentis 1, isolated, autosomal dominant; Marfan syndrome; Stiff skin syndrome; MASS syndrome; Weill-Marchesani syndrome 2, dominant; Geleophysic dysplasia 2; Progeroid and marfanoid aspect-lipodystrophy syndrome. Last evaluated: 2021-11-24. Review status: criteria provided, single submitter. Criteria: ACMG Guidelines, 2015. Collection method: clinical testing. Allele origin: unknown.

Ambry Genetics
Classification: Uncertain significance for Cardiovascular phenotype. Last evaluated: 2014-11-21. Review status: criteria provided, single submitter. Criteria: Ambry Autosomal Dominant and X-Linked criteria (10/2015). Collection method: clinical testing. Allele origin: germline. Observed: 1 variant allele.
Comment: There is insufficient or conflicting evidence for classification of this alteration.

NM_000138.5(FBN1):c.3962C>T (p.Thr1321Ile)

Gene: FBN1 (fibrillin 1; minus strand). Cytogenetic location: 15q21.1.
Variant type: single nucleotide variant.
Coding change: c.3962C>T on transcript NM_000138.5 (MANE Select); coding-DNA position 3962, C replaced by T.
Protein change: p.Thr1321Ile; replaces threonine 1321 with isoleucine.
Molecular consequence: missense variant.
Genome position (GRCh38, 1-based): chr15:48,481,657, G>A on the plus strand (C>T on the coding strand, the complement: FBN1 is on the minus strand). VCF-style: chr15-48481657-G-A. GRCh37 (hg19) VCF-style: chr15-48773854-G-A.
Other names: short protein forms T1321I.
Identifiers: ClinVar variation 263875 (VCV000263875.6), dbSNP rs750219182, ClinGen allele CA051732.